The following is an entry in ClinVar:

NM_001042492.3(NF1):c.7028_7031del (p.His2343fs)

Gene: NF1 (neurofibromin 1; plus strand). Cytogenetic location: 17q11.2.
Variant type: Deletion.
Coding change: c.7028_7031del on transcript NM_001042492.3 (MANE Select); coding-DNA positions 7028 to 7031, 4 bases deleted (ATAC; older notation c.7028_7031delATAC).
Protein change: p.His2343fs; shifts the reading frame from histidine 2343.
Molecular consequence: frameshift variant.
Genome position (GRCh38, 1-based): chr17:31,340,611-31,340,614, ATAC deleted; deleting any 4 consecutive bases within chr17:31,340,610-31,340,614 gives the same sequence; the c. name uses the placement nearest the transcript's 3' end. VCF-style (leftmost placement, unchanged base first): chr17-31340609-GCATA-G. GRCh37 (hg19) VCF-style: chr17-29667627-GCATA-G.
Other names: c.6965_6968delATAC, p.His2322Leufs (NM_000267.4); short protein forms H2322fs, H2343fs.
Identifiers: ClinVar variation 428960 (VCV000428960.3), dbSNP rs1131691083, ClinGen allele CA645369730.

ClinVar aggregate classification (germline): Pathogenic (1 of 4 stars; one submission).

Conditions:
Hereditary cancer-predisposing syndrome. Also called: Hereditary Cancer Syndrome; Neoplastic Syndromes, Hereditary; Hereditary neoplastic syndrome; Tumor predisposition. Identifiers: Orphanet 140162, MedGen C0027672, MeSH D009386, MONDO:0015356.

Submission:

Ambry Genetics
Classification: Pathogenic for Hereditary cancer-predisposing syndrome. Last evaluated: 2015-04-01. Review status: criteria provided, single submitter. Criteria: Ambry Autosomal Dominant and X-Linked criteria (10/2015). Collection method: clinical testing. Allele origin: germline. Observed: 1 variant allele.
Comment: The c.7028_7031delATACpathogenic mutation, located in coding exon 47 of the NF1 gene, results from a deletion of 4 nucleotides between nucleotide positions 7028 and 7031, causing a translational frameshift with a predicted alternate stop codon. Since frameshifts are typically deleterious in nature, this alteration is interpreted as a disease-causing mutation (ACMG Recommendations for Standards for Interpretation and Reporting of Sequence Variations. Revision 2007. Genet Med. 2008;10:294).